The following is an entry in ClinVar:

NM_006073.4(TRDN):c.211G>A (p.Val71Met)

Gene: TRDN (triadin; minus strand). Cytogenetic location: 6q22.31.
Variant type: single nucleotide variant.
Coding change: c.211G>A on transcript NM_006073.4 (MANE Select); coding-DNA position 211, G replaced by A.
Protein change: p.Val71Met; replaces valine 71 with methionine.
Molecular consequence: missense variant.
Genome position (GRCh38, 1-based): chr6:123,570,944, C>T on the plus strand (G>A on the coding strand, the complement: TRDN is on the minus strand). VCF-style: chr6-123570944-C-T. GRCh37 (hg19) VCF-style: chr6-123892089-C-T.
Other names: c.211G>A (NM_006073.2); c.211G>A, p.Val71Met (NM_001251987.2, NM_001256020.2, NM_001256021.2 and 2 more transcripts); short protein forms V71M.
Identifiers: ClinVar variation 2165911 (VCV002165911.2), dbSNP rs776957923, ClinGen allele CA147302742.
Genomic context (GRCh38, chr6:123,570,944, plus strand): 5'-ATTAATTTTAATTTTAAAGCCAAATTTTATGGAACTTACCTGAAAAGTTTTTGTAATCCA[C>T]TAAATCAAACATAACGATGGCAACAGCTGACCACGTGATTATCAGGGCAATGACCAGAAG-3'
Protein context (NP_006064.2, residues 61-81): SAVAIVMFDL[Val71Met]DYKNFSASSI

ClinVar aggregate classification (germline): Uncertain significance. Review status: criteria provided, multiple submitters, no conflicts (2 of 4 stars). 2 submissions from 2 submitters: Uncertain significance (2). Last evaluated 2025-06-18.

Conditions:
Cardiovascular phenotype. Identifiers: MedGen CN230736.
Catecholaminergic polymorphic ventricular tachycardia 1. Also called: VENTRICULAR TACHYCARDIA, STRESS-INDUCED POLYMORPHIC 1; RYR2-Related Catecholaminergic Polymorphic Ventricular Tachycardia; VENTRICULAR TACHYCARDIA, CATECHOLAMINERGIC POLYMORPHIC, 1, WITH OR WITHOUT ATRIAL DYSFUNCTION AND/OR DILATED CARDIOMYOPATHY. Identifiers: Orphanet 3286, MedGen C1631597, MONDO:0011484, OMIM 604772.

Allele frequency attached by ClinVar (database versions not stated): gnomAD 0.00001; gnomAD exomes 0.00001; TOPMed 0.00001.
gnomAD v4.1: 11 of 1,613,732 alleles (0.00068%); highest among the groups gnomAD compares: Non-Finnish European, 0.00093%; no homozygotes.

Submissions (2):

Ambry Genetics
Classification: Uncertain significance for Cardiovascular phenotype. Last evaluated: 2025-06-18. Review status: criteria provided, single submitter. Criteria: Ambry Variant Classification Scheme 2023. Collection method: clinical testing. Allele origin: germline.
Comment: The p.V71M variant (also known as c.211G>A), located in coding exon 2 of the TRDN gene, results from a G to A substitution at nucleotide position 211. The valine at codon 71 is replaced by methionine, an amino acid with highly similar properties. This amino acid position is well conserved in available vertebrate species. In addition, this alteration is predicted to be tolerated by in silico analysis. Based on the available evidence, the clinical significance of this variant remains unclear.

Labcorp Genetics (formerly Invitae), Labcorp
Classification: Uncertain significance for Catecholaminergic polymorphic ventricular tachycardia 1. Last evaluated: 2022-06-10. Review status: criteria provided, single submitter. Criteria: Invitae Variant Classification Sherloc (09022015). Collection method: clinical testing. Allele origin: germline.
Comment: This sequence change replaces valine, which is neutral and non-polar, with methionine, which is neutral and non-polar, at codon 71 of the TRDN protein (p.Val71Met). This variant is not present in population databases (gnomAD no frequency). This variant has not been reported in the literature in individuals affected with TRDN-related conditions. Algorithms developed to predict the effect of missense changes on protein structure and function are either unavailable or do not agree on the potential impact of this missense change (SIFT: "Deleterious"; PolyPhen-2: "Not Available"; Align-GVGD: "Class C0"). In summary, the available evidence is currently insufficient to determine the role of this variant in disease. Therefore, it has been classified as a Variant of Uncertain Significance.